The following is an entry in ClinVar:

NM_020702.5(MYORG):c.1721A>T (p.Tyr574Phe)

Gene: MYORG (myogenesis regulating glycosidase; minus strand). Cytogenetic location: 9p13.3.
Variant type: single nucleotide variant.
Coding change: c.1721A>T on transcript NM_020702.5 (MANE Select); coding-DNA position 1721, A replaced by T.
Protein change: p.Tyr574Phe; replaces tyrosine 574 with phenylalanine.
Molecular consequence: missense variant.
Genome position (GRCh38, 1-based): chr9:34,371,223, T>A on the plus strand (A>T on the coding strand, the complement: MYORG is on the minus strand). VCF-style: chr9-34371223-T-A. GRCh37 (hg19) VCF-style: chr9-34371221-T-A.
Other names: short protein forms Y574F.
Identifiers: ClinVar variation 1681287 (VCV001681287.1), dbSNP rs758700300, ClinGen allele CA5032852.

ClinVar aggregate classification (germline): Uncertain significance (1 of 4 stars; one submission).

Allele frequency attached by ClinVar (database versions not stated): gnomAD 0.00001; gnomAD exomes 0.00002 and 0.00003; TOPMed 0.00002; ExAC 0.00003.
gnomAD v4.1: 35 of 1,610,104 alleles (0.0022%); highest among the groups gnomAD compares: Admixed American, 0.0067%; no homozygotes.

Submission:

Labcorp Genetics (formerly Invitae), Labcorp
Classification: Uncertain significance. Last evaluated: 2021-12-03. Review status: criteria provided, single submitter. Criteria: Invitae Variant Classification Sherloc (09022015). Collection method: clinical testing. Allele origin: germline.
Comment: This sequence change replaces tyrosine, which is neutral and polar, with phenylalanine, which is neutral and non-polar, at codon 574 of the KIAA1161 protein (p.Tyr574Phe). This variant is present in population databases (rs758700300, gnomAD 0.01%). This variant has not been reported in the literature in individuals affected with KIAA1161-related conditions. Algorithms developed to predict the effect of missense changes on protein structure and function are either unavailable or do not agree on the potential impact of this missense change (SIFT: "Tolerated"; PolyPhen-2: "Not Available"; Align-GVGD: "Class C0"). In summary, the available evidence is currently insufficient to determine the role of this variant in disease. Therefore, it has been classified as a Variant of Uncertain Significance.